The following is an entry in ClinVar:

ClinVar aggregate classification (germline): Uncertain significance (1 of 4 stars; one submission).

Conditions:
Primary ciliary dyskinesia. Also called: Ciliary dyskinesia. Identifiers: Orphanet 244, MedGen C0008780, MONDO:0016575, HP:0012265.

Submission:

Ambry Genetics
Classification: Uncertain significance for Primary ciliary dyskinesia. Last evaluated: 2018-04-20. Review status: criteria provided, single submitter. Criteria: Ambry Variant Classification Scheme 2023. Collection method: clinical testing. Allele origin: germline.
Comment: The p.D368A variant (also known as c.1103A>C), located in coding exon 8 of the DNAAF1 gene, results from an A to C substitution at nucleotide position 1103. The aspartic acid at codon 368 is replaced by alanine, an amino acid with dissimilar properties. This amino acid position is not well conserved in available vertebrate species. In addition, this alteration is predicted to be tolerated by in silico analysis. Since supporting evidence is limited at this time, the clinical significance of this alteration remains unclear.

NM_178452.6(DNAAF1):c.1103A>C (p.Asp368Ala)

Gene: DNAAF1 (dynein axonemal assembly factor 1; plus strand). Cytogenetic location: 16q24.1.
Variant type: single nucleotide variant.
Coding change: c.1103A>C on transcript NM_178452.6 (MANE Select); coding-DNA position 1103, A replaced by C.
Protein change: p.Asp368Ala; replaces aspartic acid 368 with alanine.
Molecular consequence: missense variant.
Genome position (GRCh38, 1-based): chr16:84,169,931, A>C. VCF-style: chr16-84169931-A-C. GRCh37 (hg19) VCF-style: chr16-84203537-A-C.
Other names: c.395A>C, p.Asp132Ala (NM_001318756.1); short protein forms D132A, D368A.
Identifiers: ClinVar variation 1792934 (VCV001792934.2), dbSNP rs2507466760, ClinGen allele CA396947459.